The following is an entry in ClinVar:

NM_004415.4(DSP):c.699G>A (p.Trp233Ter)

Gene: DSP (desmoplakin; plus strand). Cytogenetic location: 6p24.3.
Variant type: single nucleotide variant.
Coding change: c.699G>A on transcript NM_004415.4 (MANE Select); coding-DNA position 699, G replaced by A.
Protein change: p.Trp233Ter; replaces tryptophan 233 with a stop codon.
Molecular consequence: nonsense.
Genome position (GRCh38, 1-based): chr6:7,562,753, G>A. VCF-style: chr6-7562753-G-A. GRCh37 (hg19) VCF-style: chr6-7562986-G-A.
Other names: c.699G>A, p.Trp233Ter (NM_001008844.3, NM_001319034.2); short protein forms W233*.
Identifiers: ClinVar variation 44946 (VCV000044946.24), dbSNP rs397516955, ClinGen allele CA007098.

ClinVar aggregate classification (germline): Pathogenic/Likely pathogenic. Review status: criteria provided, multiple submitters, no conflicts (2 of 4 stars). 8 submissions from 8 submitters: Pathogenic (7); Likely pathogenic (1). Last evaluated 2026-01-27.

Conditions:
DSP-related disorder. Also called: DSP-related condition; DSP-related disorders.
Cardiovascular phenotype. Identifiers: MedGen CN230736.
Cardiac arrhythmia. Also called: Arrhythmia; Cardiac rhythm disease. Identifiers: MedGen C0003811, MONDO:0007263, HP:0011675.
Arrhythmogenic cardiomyopathy with wooly hair and keratoderma. Also called: PALMOPLANTAR KERATODERMA WITH LEFT VENTRICULAR CARDIOMYOPATHY AND WOOLLY HAIR; Arrhythmogenic cardiomyopathy with woolly hair and keratoderma; Dilated cardiomyopathy with woolly hair and keratoderma; Carvajal syndrome. Identifiers: Orphanet 65282, MedGen C1854063, MONDO:0011581, OMIM 605676.
Arrhythmogenic right ventricular dysplasia 8 (ARVD8). Also called: Arrhythmogenic Right Ventricular Dysplasia/Cardiomyopathy 8; ARRHYTHMOGENIC RIGHT VENTRICULAR DYSPLASIA, FAMILIAL, 8; ARRHYTHMOGENIC RIGHT VENTRICULAR CARDIOMYOPATHY 8. Identifiers: MedGen C1843896, MONDO:0011831, OMIM 607450.
Arrhythmogenic right ventricular cardiomyopathy (ARVD). Also called: Cardiomyopathy, ARVC; Arrhythmogenic Right Ventricular Cardiomyopathy (ARVC); Arrhythmogenic right ventricular dysplasia; Arrhythmogenic cardiomyopathy. Identifiers: Orphanet 247, MedGen C0349788, MeSH D019571, MONDO:0016587. Disease mechanism: loss of function. Inheritance: Various modes of inheritance.
Cardiomyopathy (CMYO). Also called: Cardiomyopathies. Identifiers: Orphanet 167848, MedGen C0878544, MONDO:0004994, HP:0001638. Inheritance: Various modes of inheritance.
Cardiomyopathy, dilated, with wooly hair, keratoderma, and tooth agenesis. Also called: Cardiomyopathy, dilated, with woolly hair, keratoderma, and tooth agenesis; Erythrokeratodermia-cardiomyopathy syndrome. Identifiers: Orphanet 476096, Orphanet 65282, MedGen C4014393, MONDO:0014355, OMIM 615821.
Woolly hair-skin fragility syndrome (WHSF). Identifiers: Orphanet 293165, MedGen C1843292, MONDO:0957307, OMIM 620415.
Lethal acantholytic epidermolysis bullosa (EBLA). Identifiers: Orphanet 158687, MedGen C1864826, MONDO:0012323, OMIM 609638.
Keratosis palmoplantaris striata 2. Also called: Keratosis palmoplantaris striata II; KERATODERMA, PALMOPLANTAR, STRIATE FORM II; STRIATE PALMOPLANTAR KERATODERMA II. Identifiers: MedGen C1852127, MONDO:0013034, OMIM 612908.

Submissions (8):

Labcorp Genetics (formerly Invitae), Labcorp
Classification: Pathogenic for Arrhythmogenic cardiomyopathy with wooly hair and keratoderma; Arrhythmogenic right ventricular dysplasia 8. Last evaluated: 2026-01-27. Review status: criteria provided, single submitter. Criteria: Invitae Variant Classification Sherloc (09022015). Collection method: clinical testing. Allele origin: germline.
Comment: This sequence change creates a premature translational stop signal (p.Trp233*) in the DSP gene. It is expected to result in an absent or disrupted protein product. Loss-of-function variants in DSP are known to be pathogenic (PMID: 20716751, 24503780, 25227139, 30398466). This variant is not present in population databases (gnomAD no frequency). This premature translational stop signal has been observed in individuals with autosomal dominant arrhythmogenic right ventricular cardiomyopathy (PMID: 16917092, 24503780; internal data). ClinVar contains an entry for this variant (Variation ID: 44946). For these reasons, this variant has been classified as Pathogenic.

GeneDx
Classification: Pathogenic. Last evaluated: 2022-12-16. Review status: criteria provided, single submitter. Criteria: GeneDx Variant Classification Process June 2021. Collection method: clinical testing. Allele origin: germline. Affected: yes.
Comment: Nonsense variant predicted to result in protein truncation or nonsense mediated decay in a gene for which loss-of-function is a known mechanism of disease; Published functional studies indicate this variant results in nonsense-mediated decay (Yang et al., 2006); Not observed in large population cohorts (gnomAD); Reported in ClinVar as pathogenic or likely pathogenic (ClinVar Variant ID# 44946; ClinVar); This variant is associated with the following publications: (PMID: 16917092, 27532257, 17363426, 20738328, 31402444, Atak2021[Computational], 34076677, 32372669, 34352074, 33684294, 28471438, 35325485, 36142674, 24503780)

Blueprint Genetics
Classification: Pathogenic for DSP-related disorders. Last evaluated: 2022-08-08. Review status: criteria provided, single submitter. Criteria: ACMG Guidelines, 2015. Collection method: clinical testing. Allele origin: germline. Affected: yes. Observed: 1 variant allele.

Ambry Genetics
Classification: Pathogenic for Cardiovascular phenotype. Last evaluated: 2022-07-13. Review status: criteria provided, single submitter. Criteria: Ambry Variant Classification Scheme 2023. Collection method: clinical testing. Allele origin: germline.
Comment: The p.W233* pathogenic mutation (also known as c.699G>A), located in coding exon 5 of the DSP gene, results from a G to A substitution at nucleotide position 699. This changes the amino acid from a tryptophan to a stop codon within coding exon 5. This alteration has been reported in dilated cardiomyopathy (DCM) and arrhythmogenic right ventricular cardiomyopathy (ARVC) cohorts (Yang Z et al. Circ Res, 2006 Sep;99:646-55; Haggerty CM et al. Genet Med, 2017 11;19:1245-1252; Walsh R et al. Genet Med, 2017 02;19:192-203). This variant is considered to be rare based on population cohorts in the Genome Aggregation Database (gnomAD). Alterations in DSP that result in haploinsufficiency or protein truncation have been reported in patients with arrhythmogenic right ventricular cardiomyopathy (ARVC) and dilated cardiomyopathy (DCM) (Fressart V et al. Europace. 2010;12(6):861-8; Elliott P et al. Circ Cardiovasc Genet. 2010;3(4):314-22; Quarta G et al. Circulation. 2011;123(23):2701-9; Garcia-Pavia P et al. Heart. 2011;97(21):1744-52; Rasmussen TB et al. Clin Genet. 2013;84(1):20-30; Pugh TJ et al. Genet Med. 2014;16(8):601-8). This alteration is expected to result in loss of function by premature protein truncation or nonsense-mediated mRNA decay. Based on the supporting evidence, this alteration is interpreted as a disease-causing mutation.

Women's Health and Genetics/Laboratory Corporation of America, LabCorp
Classification: Pathogenic for Arrhythmia. Last evaluated: 2020-02-21. Review status: criteria provided, single submitter. Criteria: LabCorp Variant Classification Summary - May 2015. Collection method: clinical testing. Allele origin: germline.
Comment: Variant summary: DSP c.699G>A (p.Trp233X) results in a premature termination codon, predicted to cause a truncation of the encoded protein or absence of the protein due to nonsense mediated decay, which are commonly known mechanisms for disease. In addition, in vitro studies of the affected patients blood cells support that this nonsense substitution results in haploinsufficiency, probably due to increased decay of nonsense mRNA (Yang_2006). Truncations downstream of this position have been classified as pathogenic by our laboratory. The variant was absent in 251830 control chromosomes (gnomAD). At least one in vitro study showed that this mutant results in DSP protein formed perinuclear aggregates and was neither localized at the cell membrane nor seen diffusively in the cytoplasm (Yang_2006). Five ClinVar submitters (evaluation after 2014) cite the variant as pathogenic (3x) and likely pathogenic (2x). Based on the evidence outlined above, the variant was classified as pathogenic.

Laboratory for Molecular Medicine, Mass General Brigham Personalized Medicine
Classification: Pathogenic for Arrhythmogenic right ventricular cardiomyopathy. Last evaluated: 2019-10-15. Review status: criteria provided, single submitter. Criteria: LMM Criteria. Collection method: clinical testing. Allele origin: germline. Observed: 3 variant alleles.
Comment: proposed classification - variant undergoing re-assessment, contact laboratory

Fulgent Genetics
Classification: Pathogenic for Arrhythmogenic cardiomyopathy with wooly hair and keratoderma; Arrhythmogenic right ventricular dysplasia 8; Lethal acantholytic epidermolysis bullosa; Keratosis palmoplantaris striata 2; Cardiomyopathy, dilated, with wooly hair, keratoderma, and tooth agenesis. Last evaluated: 2018-10-31. Review status: criteria provided, single submitter. Criteria: ACMG Guidelines, 2015. Collection method: clinical testing. Allele origin: unknown.

Center for Advanced Laboratory Medicine, UC San Diego Health, University of California San Diego
Classification: Likely pathogenic for Cardiomyopathy. Last evaluated: 2017-11-28. Review status: criteria provided, single submitter. Criteria: ACMG Guidelines, 2015. Collection method: clinical testing. Allele origin: germline. Affected: yes. Observed: 1 variant allele.

Literature cited by the submitters: PubMed 20716751 (cited by Labcorp Genetics (formerly Invitae), Labcorp); PubMed 24503780 (cited by 3 submitters); PubMed 25227139 (cited by Labcorp Genetics (formerly Invitae), Labcorp); PubMed 30398466 (cited by Labcorp Genetics (formerly Invitae), Labcorp); PubMed 16917092 (cited by 4 submitters); PubMed 27532257 (cited by 3 submitters); PubMed 28471438 (cited by Ambry Genetics); PubMed 25525159 (cited by Laboratory for Molecular Medicine, Mass General Brigham Personalized Medicine).